The following is an entry in ClinVar:

NM_006031.6(PCNT):c.6142G>A (p.Gly2048Ser)

Gene: PCNT (pericentrin; plus strand). Cytogenetic location: 21q22.3.
Variant type: single nucleotide variant.
Coding change: c.6142G>A on transcript NM_006031.6 (MANE Select); coding-DNA position 6142, G replaced by A.
Protein change: p.Gly2048Ser; replaces glycine 2048 with serine.
Molecular consequence: missense variant.
Genome position (GRCh38, 1-based): chr21:46,412,984, G>A. VCF-style: chr21-46412984-G-A. GRCh37 (hg19) VCF-style: chr21-47832898-G-A.
Other names: c.5788G>A, p.Gly1930Ser (NM_001315529.2); short protein forms G1930S, G2048S.
Identifiers: ClinVar variation 1710616 (VCV001710616.4), dbSNP rs372803743, ClinGen allele CA10080213.

ClinVar aggregate classification (germline): Uncertain significance. Review status: criteria provided, multiple submitters, no conflicts (2 of 4 stars). 3 submissions from 3 submitters: Uncertain significance (3). Last evaluated 2025-08-27.

Conditions:
Inborn genetic diseases. Identifiers: MedGen C0950123, MeSH D030342.
PCNT-related disorder. Also called: PCNT-related condition.

Allele frequency attached by ClinVar (database versions not stated): ExAC 0.00002; gnomAD exomes 0.00004; gnomAD 0.00005; TOPMed 0.00005; ESP Exome Variant Server 0.00008.
gnomAD v4.1: 68 of 1,608,352 alleles (0.0042%); highest among the groups gnomAD compares: African/African-American, 0.008%; no homozygotes.

Submissions (3):

Ambry Genetics
Classification: Uncertain significance for Inborn genetic diseases. Last evaluated: 2025-08-27. Review status: criteria provided, single submitter. Criteria: Ambry Variant Classification Scheme 2023. Collection method: clinical testing. Allele origin: germline.

PreventionGenetics, part of Exact Sciences
Classification: Uncertain significance for PCNT-related condition. Last evaluated: 2025-05-06. Review status: criteria provided, single submitter. Criteria: ACMG Guidelines, 2015. Collection method: clinical testing. Allele origin: germline.
Comment: The PCNT c.6142G>A variant is predicted to result in the amino acid substitution p.Gly2048Ser. To our knowledge, this variant has not been reported in the literature. This variant is reported in 0.0062% of alleles in individuals of African descent in gnomAD. At this time, the clinical significance of this variant is uncertain due to the absence of conclusive functional and genetic evidence.

GeneDx
Classification: Uncertain significance. Last evaluated: 2022-04-15. Review status: criteria provided, single submitter. Criteria: GeneDx Variant Classification Process June 2021. Collection method: clinical testing. Allele origin: germline. Affected: yes.
Comment: Not observed at significant frequency in large population cohorts (gnomAD); In silico analysis supports that this missense variant does not alter protein structure/function; Has not been previously published as pathogenic or benign to our knowledge